The following is an entry in ClinVar:

ClinVar aggregate classification (germline): Uncertain significance (1 of 4 stars; one submission).

Submission:

Ambry Genetics
Classification: Uncertain significance. Last evaluated: 2025-10-27. Review status: criteria provided, single submitter. Criteria: Ambry Variant Classification Scheme 2023. Collection method: clinical testing. Allele origin: germline.
Comment: The p.A240V variant (also known as c.719C>T), located in coding exon 1 of the CDK12 gene, results from a C to T substitution at nucleotide position 719. The alanine at codon 240 is replaced by valine, an amino acid with similar properties. This amino acid position is conserved. In addition, this alteration is predicted to be tolerated by in silico analysis. Based on the available evidence, the clinical significance of this variant remains unclear.

NM_016507.4(CDK12):c.719C>T (p.Ala240Val)

Genes: CDK12 (cyclin dependent kinase 12; plus strand), LOC126862553 (CDK7 strongly-dependent group 2 enhancer GRCh37_chr17:37618166-37619365; plus strand). Cytogenetic location: 17q12.
Variant type: single nucleotide variant.
Coding change: c.719C>T on transcript NM_016507.4 (MANE Select); coding-DNA position 719, C replaced by T.
Protein change: p.Ala240Val; replaces alanine 240 with valine.
Molecular consequence: missense variant.
Genome position (GRCh38, 1-based): chr17:39,462,790, C>T. VCF-style: chr17-39462790-C-T. GRCh37 (hg19) VCF-style: chr17-37619043-C-T.
Other names: c.719C>T, p.Ala240Val (NM_015083.4); short protein forms A240V.
Identifiers: ClinVar variation 4651409 (VCV004651409.1).